The following is an entry in ClinVar:

ClinVar aggregate classification (germline): Uncertain significance (1 of 4 stars; one submission).

Conditions:
DOCK2 deficiency. Also called: Immunodeficiency 40. Identifiers: Orphanet 447737, MedGen C4225328, MONDO:0014637, OMIM 616433.

Allele frequency attached by ClinVar (database versions not stated): gnomAD exomes below 0.00001; TOPMed 0.00001.
gnomAD v4.1: 2 of 1,613,874 alleles (0.00012%); highest among the groups gnomAD compares: African/African-American, 0.0013%; no homozygotes.

Submission:

Labcorp Genetics (formerly Invitae), Labcorp
Classification: Uncertain significance for DOCK2 deficiency. Last evaluated: 2023-05-23. Review status: criteria provided, single submitter. Criteria: Invitae Variant Classification Sherloc (09022015). Collection method: clinical testing. Allele origin: germline.
Comment: ClinVar contains an entry for this variant (Variation ID: 1501353). This variant has not been reported in the literature in individuals affected with DOCK2-related conditions. This variant is not present in population databases (gnomAD no frequency). This sequence change replaces tyrosine, which is neutral and polar, with cysteine, which is neutral and slightly polar, at codon 905 of the DOCK2 protein (p.Tyr905Cys). An algorithm developed to predict the effect of missense changes on protein structure and function (PolyPhen-2) suggests that this variant¬† is likely to be tolerated. In summary, the available evidence is currently insufficient to determine the role of this variant in disease. Therefore, it has been classified as a Variant of Uncertain Significance.

NM_004946.3(DOCK2):c.2714A>G (p.Tyr905Cys)

Gene: DOCK2 (dedicator of cytokinesis 2; plus strand). Cytogenetic location: 5q35.1.
Variant type: single nucleotide variant.
Coding change: c.2714A>G on transcript NM_004946.3 (MANE Select); coding-DNA position 2714, A replaced by G.
Protein change: p.Tyr905Cys; replaces tyrosine 905 with cysteine.
Molecular consequence: missense variant. On other transcripts: non-coding transcript variant (1).
Genome position (GRCh38, 1-based): chr5:169,840,767, A>G. VCF-style: chr5-169840767-A-G. GRCh37 (hg19) VCF-style: chr5-169267771-A-G.
Other names: short protein forms Y905C.
Identifiers: ClinVar variation 1501353 (VCV001501353.7), dbSNP rs1311329317, ClinGen allele CA362202461.